The following is an entry in ClinVar:

ClinVar aggregate classification (germline): Uncertain significance (1 of 4 stars; one submission).

Conditions:
Hyperphosphatasia with impaired intellectual development syndrome 2. Also called: Hyperphosphatasia with intellectual disability syndrome 2; GLYCOSYLPHOSPHATIDYLINOSITOL BIOSYNTHESIS DEFECT 6. Identifiers: Orphanet 247262, MedGen C3553637, MONDO:0013882, OMIM 614749.

Allele frequency attached by ClinVar (database versions not stated): ExAC 0.00002; gnomAD exomes below 0.00001.
gnomAD v4.1: 3 of 1,614,232 alleles (0.00019%); highest among the groups gnomAD compares: African/African-American, 0.0013%; no homozygotes.

Submission:

Labcorp Genetics (formerly Invitae), Labcorp
Classification: Uncertain significance for Hyperphosphatasia with impaired intellectual development syndrome 2. Last evaluated: 2024-10-30. Review status: criteria provided, single submitter. Criteria: Invitae Variant Classification Sherloc (09022015). Collection method: clinical testing. Allele origin: germline.
Comment: This sequence change replaces leucine, which is neutral and non-polar, with proline, which is neutral and non-polar, at codon 467 of the PIGO protein (p.Leu467Pro). This variant is present in population databases (rs746375807, gnomAD 0.007%). This variant has not been reported in the literature in individuals affected with PIGO-related conditions. ClinVar contains an entry for this variant (Variation ID: 1934791). Invitae Evidence Modeling of protein sequence and biophysical properties (such as structural, functional, and spatial information, amino acid conservation, physicochemical variation, residue mobility, and thermodynamic stability) has been performed for this missense variant. However, the output from this modeling did not meet the statistical confidence thresholds required to predict the impact of this variant on PIGO protein function. In summary, the available evidence is currently insufficient to determine the role of this variant in disease. Therefore, it has been classified as a Variant of Uncertain Significance.

NM_032634.4(PIGO):c.1400T>C (p.Leu467Pro)

Gene: PIGO (phosphatidylinositol glycan anchor biosynthesis class O; minus strand). Cytogenetic location: 9p13.3.
Variant type: single nucleotide variant.
Coding change: c.1400T>C on transcript NM_032634.4 (MANE Select); coding-DNA position 1400, T replaced by C.
Protein change: p.Leu467Pro; replaces leucine 467 with proline.
Molecular consequence: missense variant. On other transcripts: intron variant (2).
Genome position (GRCh38, 1-based): chr9:35,092,487, A>G on the plus strand (T>C on the coding strand, the complement: PIGO is on the minus strand). VCF-style: chr9-35092487-A-G. GRCh37 (hg19) VCF-style: chr9-35092484-A-G.
Other names: c.1344+56T>C (NM_152850.4, NM_001201484.2); short protein forms L467P.
Identifiers: ClinVar variation 1934791 (VCV001934791.5), dbSNP rs746375807, ClinGen allele CA5040640.
Genomic context (GRCh38, chr9:35,092,487, plus strand): 5'-ACAGGTGTCAGGAGTAGAGGGCAGAATGGAAAGCCTGGGGATATTGCCCACTGAGATGCC[A>G]GCAGGCAGATAAAGCAGGAAGCAGCCAAGAGAGCAGTACCCCCCGCCATGCGGACCAGAG-3'
Protein context (NP_116023.2, residues 457-477): LLAASCFICL[Leu467Pro]ASQWAISPGF